The following is an entry in ClinVar:

NM_000393.5(COL5A2):c.2833G>A (p.Gly945Arg)

Gene: COL5A2 (collagen type V alpha 2 chain; minus strand). Cytogenetic location: 2q32.2.
Variant type: single nucleotide variant.
Coding change: c.2833G>A on transcript NM_000393.5 (MANE Select); coding-DNA position 2833, G replaced by A.
Protein change: p.Gly945Arg; replaces glycine 945 with arginine.
Molecular consequence: missense variant.
Genome position (GRCh38, 1-based): chr2:189,051,418, C>T on the plus strand (G>A on the coding strand, the complement: COL5A2 is on the minus strand). VCF-style: chr2-189051418-C-T. GRCh37 (hg19) VCF-style: chr2-189916144-C-T.
Other names: short protein forms G945R.
Identifiers: ClinVar variation 1028727 (VCV001028727.1), dbSNP rs1685785467, ClinGen allele CA349868135.

ClinVar aggregate classification (germline): Likely pathogenic (1 of 4 stars; one submission).

Conditions:
Ehlers-Danlos syndrome, classic type, 2 (EDSCL2). Also called: Ehlers-Danlos syndrome type 2 (formerly); Ehlers-Danlos Syndrome, Classic Type, COL5A2-Related; Ehlers-Danlos syndrome, type 2. Identifiers: Orphanet 287, Orphanet 90318, MedGen C0268336, MONDO:0019568, OMIM 130010.

Submission:

Baylor Genetics
Classification: Likely pathogenic for Ehlers-Danlos syndrome, classic type, 2. Last evaluated: 2020-04-12. Review status: criteria provided, single submitter. Criteria: ACMG Guidelines, 2015. Collection method: clinical testing. Allele origin: de novo. Affected: yes.
Comment: This variant was determined to be likely pathogenic according to ACMG Guidelines, 2015 [PMID:25741868].